The following is an entry in ClinVar:

ClinVar aggregate classification (germline): Pathogenic (1 of 4 stars; one submission).

Conditions:
Neurofibromatosis, type 1 (NF1). Also called: VON RECKLINGHAUSEN DISEASE; Peripheral type neurofibromatosis; NEUROFIBROMATOSIS, TYPE I, SOMATIC; Neurofibromatosis, type I. Identifiers: Orphanet 636, MedGen C0027831, MONDO:0018975, OMIM 162200. Disease mechanism: loss of function.

Submission:

Labcorp Genetics (formerly Invitae), Labcorp
Classification: Pathogenic for Neurofibromatosis, type 1. Last evaluated: 2024-02-14. Review status: criteria provided, single submitter. Criteria: Invitae Variant Classification Sherloc (09022015). Collection method: clinical testing. Allele origin: germline.
Comment: This sequence change creates a premature translational stop signal (p.Val2389Serfs*8) in the NF1 gene. It is expected to result in an absent or disrupted protein product. Loss-of-function variants in NF1 are known to be pathogenic (PMID: 10712197, 23913538). This variant is not present in population databases (gnomAD no frequency). This variant has not been reported in the literature in individuals affected with NF1-related conditions. For these reasons, this variant has been classified as Pathogenic.

Literature cited by the submitters: PubMed 10712197; PubMed 23913538.

NM_001042492.3(NF1):c.7227del (p.Val2410fs)

Gene: NF1 (neurofibromin 1; plus strand). Cytogenetic location: 17q11.2.
Variant type: Deletion.
Coding change: c.7227del on transcript NM_001042492.3 (MANE Select); coding-DNA position 7227, one base deleted (A; older notation c.7227delA).
Protein change: p.Val2410fs; shifts the reading frame from valine 2410.
Molecular consequence: frameshift variant.
Genome position (GRCh38, 1-based): chr17:31,349,157, A deleted. VCF-style (leftmost placement, unchanged base first): chr17-31349156-CA-C. GRCh37 (hg19) VCF-style: chr17-29676174-CA-C.
Other names: c.7164delA, p.Val2389Serfs (NM_000267.4); short protein forms V2389fs, V2410fs.
Identifiers: ClinVar variation 3640675 (VCV003640675.2).
Genomic context (GRCh38, chr17:31,349,156, plus strand): 5'-TGTTTGTTTGTTTGTTTTTTGTAGGGTACAGGCATCCTTCACCTGCTATTGTTGCAAGAA[CA>C]GTCAGAATTTTACATACACTACTAACTCTGGTTAACAAACACAGAAATTGTGACAAATTT-3'